The following is an entry in ClinVar:

ClinVar aggregate classification (germline): Uncertain significance (1 of 4 stars; one submission).

Conditions:
RYR1-related disorder. Also called: RYR1-related condition; RYR1-related disorders. Identifiers: MedGen CN239331.

Submission:

Labcorp Genetics (formerly Invitae), Labcorp
Classification: Uncertain significance for RYR1-related disorder. Last evaluated: 2025-10-18. Review status: criteria provided, single submitter. Criteria: Invitae Variant Classification Sherloc (09022015). Collection method: clinical testing. Allele origin: germline.
Comment: This sequence change replaces methionine, which is neutral and non-polar, with isoleucine, which is neutral and non-polar, at codon 4819 of the RYR1 protein (p.Met4819Ile). This variant is not present in population databases (gnomAD no frequency). This variant has not been reported in the literature in individuals affected with RYR1-related conditions. Invitae Evidence Modeling of protein sequence and biophysical properties (such as structural, functional, and spatial information, amino acid conservation, physicochemical variation, residue mobility, and thermodynamic stability) indicates that this missense variant is not expected to disrupt RYR1 protein function with a negative predictive value of 80%. In summary, the available evidence is currently insufficient to determine the role of this variant in disease. Therefore, it has been classified as a Variant of Uncertain Significance.

NM_000540.3(RYR1):c.14457G>T (p.Met4819Ile)

Gene: RYR1 (ryanodine receptor 1; plus strand). Cytogenetic location: 19q13.2.
Variant type: single nucleotide variant.
Coding change: c.14457G>T on transcript NM_000540.3 (MANE Select); coding-DNA position 14457, G replaced by T.
Protein change: p.Met4819Ile; replaces methionine 4819 with isoleucine.
Molecular consequence: missense variant.
Genome position (GRCh38, 1-based): chr19:38,580,074, G>T. VCF-style: chr19-38580074-G-T. GRCh37 (hg19) VCF-style: chr19-39070714-G-T.
Other names: c.14442G>T, p.Met4814Ile (NM_001042723.2); short protein forms M4814I, M4819I.
Identifiers: ClinVar variation 4802138 (VCV004802138.1).
Genomic context (GRCh38, chr19:38,580,074, plus strand): 5'-GTCCCTCTTGGGACACTACAACAACTTCTTCTTTGCTGCCCATCTCCTGGACATCGCCAT[G>T]GGGGTCAAGACGCTGCGCACCATCCTGTCCTCTGTCACCCACAATGGGAAACAGGTGTGG-3'
Protein context (NP_000531.2, residues 4809-4829): FFAAHLLDIA[Met4819Ile]GVKTLRTILS